The following is an entry in ClinVar:

NM_032608.7(MYO18B):c.3808C>T (p.Arg1270Cys)

Gene: MYO18B (myosin XVIIIB; plus strand). Cytogenetic location: 22q12.1.
Variant type: single nucleotide variant.
Coding change: c.3808C>T on transcript NM_032608.7 (MANE Select); coding-DNA position 3808, C replaced by T.
Protein change: p.Arg1270Cys; replaces arginine 1270 with cysteine.
Molecular consequence: missense variant.
Genome position (GRCh38, 1-based): chr22:25,851,502, C>T. VCF-style: chr22-25851502-C-T. GRCh37 (hg19) VCF-style: chr22-26247469-C-T.
Other names: c.3811C>T, p.Arg1271Cys (NM_001318245.2); short protein forms R1270C, R1271C.
Identifiers: ClinVar variation 2419856 (VCV002419856.4), dbSNP rs371063606, ClinGen allele CA10160657.

ClinVar aggregate classification (germline): Uncertain significance (1 of 4 stars; one submission).

Allele frequency attached by ClinVar (database versions not stated): gnomAD exomes 0.00002; gnomAD 0.00005; TOPMed 0.00006; ESP Exome Variant Server 0.00008; ExAC 0.00015.
gnomAD v4.1: 35 of 1,559,158 alleles (0.0022%); highest among the groups gnomAD compares: African/African-American, 0.014%; no homozygotes.

Submission:

Labcorp Genetics (formerly Invitae), Labcorp
Classification: Uncertain significance. Last evaluated: 2023-10-03. Review status: criteria provided, single submitter. Criteria: Invitae Variant Classification Sherloc (09022015). Collection method: clinical testing. Allele origin: germline.
Comment: This sequence change replaces arginine, which is basic and polar, with cysteine, which is neutral and slightly polar, at codon 1270 of the MYO18B protein (p.Arg1270Cys). This variant is present in population databases (rs371063606, gnomAD 0.03%). This variant has not been reported in the literature in individuals affected with MYO18B-related conditions. ClinVar contains an entry for this variant (Variation ID: 2419856). An algorithm developed to predict the effect of missense changes on protein structure and function (PolyPhen-2) suggests that this variant is likely to be disruptive. In summary, the available evidence is currently insufficient to determine the role of this variant in disease. Therefore, it has been classified as a Variant of Uncertain Significance.